The following is an entry in ClinVar:

NM_005045.4(RELN):c.5920C>G (p.Pro1974Ala)

Gene: RELN (reelin; minus strand). Cytogenetic location: 7q22.1.
Variant type: single nucleotide variant.
Coding change: c.5920C>G on transcript NM_005045.4 (MANE Select); coding-DNA position 5920, C replaced by G.
Protein change: p.Pro1974Ala; replaces proline 1974 with alanine.
Molecular consequence: missense variant.
Genome position (GRCh38, 1-based): chr7:103,553,709, G>C on the plus strand (C>G on the coding strand, the complement: RELN is on the minus strand). VCF-style: chr7-103553709-G-C. GRCh37 (hg19) VCF-style: chr7-103194156-G-C.
Other names: c.5920C>G, p.Pro1974Ala (NM_173054.3); short protein forms P1974A.
Identifiers: ClinVar variation 1898721 (VCV001898721.5), dbSNP rs139740983, ClinGen allele CA163904131.
Genomic context (GRCh38, chr7:103,553,709, plus strand): 5'-TTAATACTTACGGTGCCCCCTTTGAAGAATATGGACAATAAAGACCGATGTTACCACCAG[G>C]ATAGAAAAACCAATTGTCTTCTCTGGGCCCAAAATCAAATGTATCCAAGAGCATCACAGG-3'
Protein context (NP_005036.2, residues 1964-1984): GPREDNWFFY[Pro1974Ala]GGNIGLYCPY

ClinVar aggregate classification (germline): Uncertain significance (1 of 4 stars; one submission).

Conditions:
Familial temporal lobe epilepsy 7. Identifiers: Orphanet 101046, MedGen C4225327, MONDO:0014639, OMIM 616436.
Norman-Roberts syndrome (LIS2). Also called: Lissencephaly 2 (Norman-Roberts type). Identifiers: Orphanet 89844, MedGen C0796089, MONDO:0009760, OMIM 257320.

Allele frequency attached by ClinVar (database versions not stated): gnomAD exomes below 0.00001; TOPMed below 0.00001; gnomAD 0.00001; ESP Exome Variant Server 0.00008.
gnomAD v4.1: 4 of 1,613,940 alleles (0.00025%); highest among the groups gnomAD compares: Non-Finnish European, 0.00025%; no homozygotes.

Submission:

Labcorp Genetics (formerly Invitae), Labcorp
Classification: Uncertain significance for Familial temporal lobe epilepsy 7; Norman-Roberts syndrome. Last evaluated: 2025-09-10. Review status: criteria provided, single submitter. Criteria: Invitae Variant Classification Sherloc (09022015). Collection method: clinical testing. Allele origin: germline.
Comment: This sequence change replaces proline, which is neutral and non-polar, with alanine, which is neutral and non-polar, at codon 1974 of the RELN protein (p.Pro1974Ala). This variant is not present in population databases (gnomAD no frequency). This variant has not been reported in the literature in individuals affected with RELN-related conditions. ClinVar contains an entry for this variant (Variation ID: 1898721). Invitae Evidence Modeling of protein sequence and biophysical properties (such as structural, functional, and spatial information, amino acid conservation, physicochemical variation, residue mobility, and thermodynamic stability) indicates that this missense variant is not expected to disrupt RELN protein function with a negative predictive value of 80%. In summary, the available evidence is currently insufficient to determine the role of this variant in disease. Therefore, it has been classified as a Variant of Uncertain Significance.